The following is an entry in ClinVar:

ClinVar aggregate classification (germline): Likely benign. Review status: criteria provided, multiple submitters, no conflicts (2 of 4 stars). 2 submissions from 2 submitters: Likely benign (2). Last evaluated 2026-06-01.

Allele frequency attached by ClinVar (database versions not stated): gnomAD exomes 0.00003 and 0.00005; ExAC 0.00007; gnomAD 0.00015 and 0.00017; ESP Exome Variant Server 0.00016; TOPMed 0.00017.
gnomAD v4.1: 62 of 1,606,858 alleles (0.0039%); highest among the groups gnomAD compares: African/African-American, 0.059%; no homozygotes.

Submissions (2):

CeGaT Center for Human Genetics Tuebingen
Classification: Likely benign. Last evaluated: 2026-06-01. Review status: criteria provided, single submitter. Criteria: CeGaT Center For Human Genetics Tuebingen Variant Classification Criteria Version 2. Collection method: clinical testing. Allele origin: germline. Affected: yes. Observed: 1 variant allele.
Comment: KMT2B: BP4, BP7

Labcorp Genetics (formerly Invitae), Labcorp
Classification: Likely benign. Last evaluated: 2025-09-09. Review status: criteria provided, single submitter. Criteria: Invitae Variant Classification Sherloc (09022015). Collection method: clinical testing. Allele origin: germline.

NM_014727.3(KMT2B):c.5712G>A (p.Pro1904=)

Gene: KMT2B (lysine methyltransferase 2B; plus strand). Cytogenetic location: 19q13.12.
Variant type: single nucleotide variant.
Coding change: c.5712G>A on transcript NM_014727.3 (MANE Select); coding-DNA position 5712, G replaced by A.
Protein change: p.Pro1904=; no amino-acid change (proline 1904 retained).
Molecular consequence: synonymous variant.
Genome position (GRCh38, 1-based): chr19:35,732,261, G>A. VCF-style: chr19-35732261-G-A. GRCh37 (hg19) VCF-style: chr19-36223162-G-A.
Identifiers: ClinVar variation 777468 (VCV000777468.9), dbSNP rs375899896, ClinGen allele CA9385512.